The following is an entry in ClinVar:

ClinVar aggregate classification (germline): Uncertain significance (1 of 4 stars; one submission).

Conditions:
Hereditary cancer-predisposing syndrome. Also called: Neoplastic Syndromes, Hereditary; Tumor predisposition; Hereditary neoplastic syndrome; Hereditary Cancer Syndrome. Identifiers: Orphanet 140162, MedGen C0027672, MeSH D009386, MONDO:0015356.

Submission:

Ambry Genetics
Classification: Uncertain significance for Hereditary cancer-predisposing syndrome. Last evaluated: 2023-09-27. Review status: criteria provided, single submitter. Criteria: Ambry Variant Classification Scheme 2023. Collection method: clinical testing. Allele origin: germline.
Comment: The p.R239M variant (also known as c.716G>T), located in coding exon 4 of the MSH6 gene, results from a G to T substitution at nucleotide position 716. The arginine at codon 239 is replaced by methionine, an amino acid with similar properties. This amino acid position is conserved. In addition, the in silico prediction for this alteration is inconclusive. Since supporting evidence is limited at this time, the clinical significance of this alteration remains unclear.

NM_000179.3(MSH6):c.716G>T (p.Arg239Met)

Gene: MSH6 (mutS homolog 6; plus strand). Cytogenetic location: 2p16.3.
Variant type: single nucleotide variant.
Coding change: c.716G>T on transcript NM_000179.3 (MANE Select); coding-DNA position 716, G replaced by T.
Protein change: p.Arg239Met; replaces arginine 239 with methionine.
Molecular consequence: missense variant. On other transcripts: non-coding transcript variant (4), intron variant (1), 5 prime UTR variant (9).
Genome position (GRCh38, 1-based): chr2:47,798,699, G>T. VCF-style: chr2-47798699-G-T. GRCh37 (hg19) VCF-style: chr2-48025838-G-T.
Other names: c.628-1967G>T (NM_001407362.1); c.326G>T, p.Arg109Met (NM_001281492.2); c.-191G>T (NM_001281493.2, NM_001281494.2, NM_001406811.1 and 6 more transcripts); c.812G>T, p.Arg271Met (NM_001406795.1, NM_001406802.1); c.716G>T, p.Arg239Met (NM_001406796.1, NM_001406798.1, NM_001406800.1 and 4 more transcripts); c.419G>T, p.Arg140Met (NM_001406797.1, NM_001406801.1, NM_001406805.1 and 10 more transcripts); c.191G>T, p.Arg64Met (NM_001406799.1, NM_001406806.1, NM_001406807.1); c.638G>T, p.Arg213Met (NM_001406804.1); and 2 more; short protein forms R109M, R140M, R183M, R213M, R239M, R241M, R271M, R64M.
Identifiers: ClinVar variation 3230590 (VCV003230590.1), dbSNP rs2104293126, ClinGen allele CA346740002.